The following is an entry in ClinVar:

NM_153717.3(EVC):c.271C>T (p.Gln91Ter)

Gene: EVC (EvC ciliary complex subunit 1; plus strand). Cytogenetic location: 4p16.2.
Variant type: single nucleotide variant.
Coding change: c.271C>T on transcript NM_153717.3 (MANE Select); coding-DNA position 271, C replaced by T.
Protein change: p.Gln91Ter; replaces glutamine 91 with a stop codon.
Molecular consequence: nonsense.
Genome position (GRCh38, 1-based): chr4:5,719,344, C>T. VCF-style: chr4-5719344-C-T. GRCh37 (hg19) VCF-style: chr4-5721071-C-T.
Other names: c.271C>T, p.Gln91Ter (NM_001306090.2, NM_001306092.2); short protein forms Q91*.
Identifiers: ClinVar variation 4816935 (VCV004816935.1).

ClinVar aggregate classification (germline): Likely pathogenic (1 of 4 stars; one submission).

Conditions:
Ellis-van Creveld syndrome (EVC). Also called: Chondroectodermal dysplasia; EVC-Related Ellis-van Creveld Syndrome; EVC2-Related Ellis-van Creveld Syndrome; MESOECTODERMAL DYSPLASIA. Identifiers: Orphanet 289, MedGen C0013903, MONDO:0009162, OMIM 225500.

Submission:

Natera, Inc.
Classification: Likely pathogenic for Ellis-van Creveld syndrome. Last evaluated: 2024-08-29. Review status: criteria provided, single submitter. Criteria: Natera Variant Classification Schema (03/2026). Collection method: clinical testing. Allele origin: germline.
Comment: The c.271C>T variant in EVC is a nonsense variant predicted to introduce a stop codon at amino acid 91. This variant is expected to result in nonsense mediated decay, truncation, or a dysfunctional protein product. This variant is rare in the general population with a frequency below the threshold expected for the associated phenotype(s). Given the available evidence, this variant is classified as Likely Pathogenic.